The following is an entry in ClinVar:

ClinVar aggregate classification (germline): Uncertain significance (1 of 4 stars; one submission).

Submission:

Labcorp Genetics (formerly Invitae), Labcorp
Classification: Uncertain significance. Last evaluated: 2024-10-22. Review status: criteria provided, single submitter. Criteria: Invitae Variant Classification Sherloc (09022015). Collection method: clinical testing. Allele origin: germline.
Comment: This variant, c.9950_9952del, results in the deletion of 1 amino acid(s) of the FAT4 protein (p.Val3317del), but otherwise preserves the integrity of the reading frame. This variant is not present in population databases (gnomAD no frequency). This variant has not been reported in the literature in individuals affected with FAT4-related conditions. Experimental studies and prediction algorithms are not available or were not evaluated, and the functional significance of this variant is currently unknown. In summary, the available evidence is currently insufficient to determine the role of this variant in disease. Therefore, it has been classified as a Variant of Uncertain Significance.

NM_001291303.3(FAT4):c.9953TTG[1] (p.Val3319del)

Gene: FAT4 (FAT atypical cadherin 4; plus strand). Cytogenetic location: 4q28.1.
Variant type: Microsatellite.
Coding change: c.9953TTG[1] on transcript NM_001291303.3 (MANE Select); one copy of the 3-base unit TTG starting at c.9953; the reference has two copies in a row; one copy, 3 bases deleted.
Protein change: p.Val3319del; deletes valine 3319.
Molecular consequence: inframe deletion.
Genome position (GRCh38, 1-based): chr4:125,450,966-125,450,968, TTG deleted; deleting any 3 consecutive bases within chr4:125,450,963-125,450,968 gives the same sequence; the position shown is the placement nearest the transcript's 3' end. VCF-style (leftmost placement, unchanged base first): chr4-125450962-ATTG-A. GRCh37 (hg19) VCF-style: chr4-126372117-ATTG-A.
Other names: c.9953TTG[1], p.Val3319del (NM_001291285.3); c.9947TTG[1], p.Val3317del (NM_024582.6); short protein forms V3319del, V3317del.
Identifiers: ClinVar variation 1952249 (VCV001952249.4), dbSNP rs1240574371, ClinGen allele CA786675104.